The following is an entry in ClinVar:

ClinVar aggregate classification (germline): Pathogenic/Likely pathogenic. Review status: criteria provided, multiple submitters, no conflicts (2 of 4 stars). 16 submissions from 16 submitters: Pathogenic (14); Likely pathogenic (1). 1 of the submissions does not count toward it. Last evaluated 2026-01-26.

Conditions:
Cardiovascular phenotype. Identifiers: MedGen CN230736.
Marfan syndrome (MFS). Also called: Marfan syndrome, classic; FBN1-Related Marfan Syndrome; Marfan syndrome type 1; Marfan's syndrome; MARFAN SYNDROME, TYPE I. Identifiers: Orphanet 284963, Orphanet 558, MedGen C0024796, MONDO:0007947, OMIM 154700.
Familial thoracic aortic aneurysm and aortic dissection (TAAD). Also called: Thoracic aortic aneurysms and dissections. Identifiers: Orphanet 91387, MedGen C4707243, MONDO:0019625.
FBN1-related disorder. Also called: FBN1-related disorders.

Submissions (16):

Ambry Genetics
Classification: Pathogenic for Familial thoracic aortic aneurysm and aortic dissection. Last evaluated: 2026-01-26. Review status: criteria provided, single submitter. Criteria: Ambry Variant Classification Scheme 2023. Collection method: clinical testing. Allele origin: germline.
Comment: The c.3037G>A (p.G1013R) alteration is located in exon 25 (coding exon 24) of the FBN1 gene. This alteration results from a G to A substitution at nucleotide position 3037, causing the glycine (G) at amino acid position 1013 to be replaced by an arginine (R). This variant was not reported in population-based cohorts in the Genome Aggregation Database (gnomAD). This alteration has been reported in numerous individuals with a clinical diagnosis of Marfan syndrome, including as a de novo alteration in an individual with neonatal Marfan syndrome with a severe, atypical presentation (Nijbroek, 1995; Biggin, 2004; Rommel, 2005; Ardhanari, 2019; Stark, 2020; Arnaud, 2021). This amino acid position is highly conserved in available vertebrate species. This variant alters a critical glycine in a sterically constrained region and is expected to disrupt FBN1 function (Khau Van Kien, 2010). This alteration is predicted to be deleterious by in silico analysis. Based on the available evidence, this alteration is classified as pathogenic.

Labcorp Genetics (formerly Invitae), Labcorp
Classification: Pathogenic for Marfan syndrome; Familial thoracic aortic aneurysm and aortic dissection. Last evaluated: 2025-01-27. Review status: criteria provided, single submitter. Criteria: Invitae Variant Classification Sherloc (09022015). Collection method: clinical testing. Allele origin: germline.
Comment: This sequence change replaces glycine, which is neutral and non-polar, with arginine, which is basic and polar, at codon 1013 of the FBN1 protein (p.Gly1013Arg). This variant is not present in population databases (gnomAD no frequency). This missense change has been observed in individual(s) with Marfan syndrome (PMID: 7611299, 10464652, 11175294, 11700157, 11780406, 14695540, 16220557, 19002209). ClinVar contains an entry for this variant (Variation ID: 177648). Invitae Evidence Modeling of protein sequence and biophysical properties (such as structural, functional, and spatial information, amino acid conservation, physicochemical variation, residue mobility, and thermodynamic stability) indicates that this missense variant is expected to disrupt FBN1 protein function with a positive predictive value of 95%. Experimental studies have shown that this missense change affects FBN1 function (PMID: 21784848). For these reasons, this variant has been classified as Pathogenic.

Equipe Genetique des Anomalies du Developpement, Université de Bourgogne
Classification: Pathogenic for Marfan syndrome. Last evaluated: 2024-02-14. Review status: criteria provided, single submitter. Criteria: ACMG Guidelines, 2015. Collection method: clinical testing. Allele origin: de novo. Affected: yes.

Clinical Genetics Laboratory, Skane University Hospital Lund
Classification: Pathogenic. Last evaluated: 2023-12-11. Review status: criteria provided, single submitter. Criteria: ACMG Guidelines, 2015. Collection method: clinical testing. Allele origin: germline. Affected: yes.

GeneDx
Classification: Pathogenic. Last evaluated: 2023-11-27. Review status: criteria provided, single submitter. Criteria: GeneDx Variant Classification Process June 2021. Collection method: clinical testing. Allele origin: germline. Affected: yes.
Comment: Does not affect a cysteine residue within a calcium-binding EGF-like domain or a TGF-binding protein domain of the FBN1 gene; cysteine substitutions in the calcium-binding EGF-like domains represent the majority of pathogenic missense changes associated with FBN1-related disorders (PMID: 12938084); Not observed at significant frequency in large population cohorts (gnomAD); In silico analysis supports that this missense variant has a deleterious effect on protein structure/function; This variant is associated with the following publications: (PMID: 14695540, 27437668, 34550612, 31061752, 33436942, 32198975, 7611299, 11175294, 10464652, 11700157, 16220557, 19002209, 22772377, 11780406, no PMID, 17701892, 10930463, 33495528, 21135753, 32679894, 29939511, 35058154, 12938084, 21784848)

Division of Human Genetics, National Health Laboratory Service/University of the Witwatersrand
Classification: Pathogenic for Marfan syndrome. Last evaluated: 2023-07-01. Review status: criteria provided, single submitter. Criteria: ACMG Guidelines, 2015. Collection method: research. Allele origin: germline. Affected: yes.

Blueprint Genetics
Classification: Pathogenic for FBN1-related disorders. Last evaluated: 2022-09-15. Review status: criteria provided, single submitter. Criteria: ACMG Guidelines, 2015. Collection method: clinical testing. Allele origin: germline. Affected: yes. Observed: 2 variant alleles.

Laboratorio de Genetica e Diagnostico Molecular, Hospital Israelita Albert Einstein
Classification: Pathogenic for Marfan syndrome. Last evaluated: 2022-08-26. Review status: criteria provided, single submitter. Criteria: ACMG Guidelines, 2015. Collection method: clinical testing. Allele origin: germline. Affected: yes. Observed: 1 variant allele.
Comment: ACMG classification criteria: PS1 strong, PS3 supporting, PS4 strong, PM2 moderated, PM6 moderated, PP2 supporting, PP3 supporting

Dasa
Classification: Pathogenic for Marfan syndrome. Last evaluated: 2022-06-10. Review status: criteria provided, single submitter. Criteria: ACMG Guidelines, 2015. Collection method: clinical testing. Allele origin: germline. Affected: yes. Observed: 1 variant allele.
Comment: The c.3037G>A;p.(Gly1013Arg) missense change has been observed in affected individual(s) and ClinVar contains an entry for this variant (ClinVar ID: 177648; PMID: 21784848; 19002209; 16220557; 14695540; 11780406) - PS4.Same amino acid change as a previously established Pathogenic variant regardless of nucleotide change (ClinVar ID: 16455; PMID: 11175294) - PS1.Well-established in vitro or in vivo functional studies supportive of a damaging effect on the gene or gene product (PMID: 21784848) - PS3_moderate. This variant is not present in population databases:rs140593, gnomAD; ABraOM no frequency) - PM2. Multiple lines of computational evidence support a deleterious effect on the gene or gene product - PP3. In summary, the currently available evidence indicates that the variant is Pathogenic

Molecular Diagnostic Laboratory for Inherited Cardiovascular Disease, Montreal Heart Institute
Classification: Pathogenic for Cardiovascular phenotype. Last evaluated: 2021-10-15. Review status: criteria provided, single submitter. Criteria: ACMG Guidelines, 2015. Collection method: clinical testing. Allele origin: germline. Affected: yes.

Centre of Medical Genetics, University of Antwerp
Classification: Likely pathogenic for Marfan syndrome. Last evaluated: 2021-03-01. Review status: criteria provided, single submitter. Criteria: Submitter's publication. Collection method: research. Allele origin: unknown. Affected: yes.
Comment: PM2, PS1, PP4

Human Genetics Unit, University Of Colombo
Classification: Pathogenic for Marfan syndrome. Last evaluated: 2020-08-18. Review status: criteria provided, single submitter. Criteria: ACMG Guidelines, 2015. Collection method: clinical testing. Allele origin: germline. Affected: yes. Observed: 1 variant allele.
Comment: ClinVar classifies this variant as Pathogenic, 2 stars (reviewed Mar '25, 14 submissions of which 3 are from high confidence submitters) [PP5]. Equivalent variant chr15:48782093 C>G (Gly1013Arg) is classified Pathogenic by UniProt Variants [PS1]. Hot-spot of length 17 amino-acids has 21 missense/in-frame variants (6 pathogenic variants, 14 uncertain variants, and 1 benign variant), which qualifies as moderate pathogenic [PM1]. Variant not found in gnomAD exomes, with good gnomAD exomes coverage = 95.1 [PM2]. Multiple lines of In silico analyses supports that this variant has a deleterious effect on protein structure/function [PP3]. In summary, this variant meets criteria to be classified as pathogenic based on ACMG/AMP guidelines: PS1, PM1, PM2, PP3, PP4, and PP5.

Laboratory for Molecular Medicine, Mass General Brigham Personalized Medicine
Classification: Pathogenic for Marfan syndrome. Last evaluated: 2016-02-11. Review status: criteria provided, single submitter. Criteria: LMM Criteria. Collection method: clinical testing. Allele origin: germline. Inheritance: Autosomal dominant inheritance. Observed: 1 variant allele.
Comment: proposed classification - variant undergoing re-assessment, contact laboratory

Eurofins Ntd Llc (ga)
Classification: Pathogenic. Last evaluated: 2014-06-30. Review status: criteria provided, single submitter. Criteria: EGL Classification Definitions 2015. Collection method: clinical testing. Allele origin: germline. Observed: 1 variant allele, 1 heterozygote.

Rady Children's Institute for Genomic Medicine, Rady Children's Hospital San Diego
Classification: Pathogenic for MARFAN SYNDROME. Review status: criteria provided, single submitter. Criteria: ACMG Guidelines, 2015. Collection method: clinical testing. Allele origin: germline. Affected: yes.
Comment: This variant has been previously reported as a heterozygous change in patients with Marfan syndrome (PMID: 7611299, 11175294, 14695540, 10464652, 11700157, 11780406, 16220557, 19002209). It falls in a hotspot for a severe early onset cardiovascular phenotype and has been reported in unrelated patients with atypically severe manifestations (PMID: 7611299, 32198975). Experimental studies have shown that this variant affects the FBN1 protein by inducing the loss of heparin binding and enhancing the susceptibility to proteolysis (PMID: 21784848). It is absent from the gnomAD population database and thus is presumed to be rare. The c.3037G>A (p.Gly1013Arg) variant affects a highly conserved amino acid and is predicted by multiple in silico tools to have a deleterious effect on protein function. Based on the available evidence, the c.3037G>A (p.Gly1013Arg) variant is classified as Pathogenic.

Center for Medical Genetics Ghent, University of Ghent
Classification: Uncertain significance for Marfan syndrome. Last evaluated: 2017-11-07. Review status: no assertion criteria provided. Collection method: clinical testing. Allele origin: germline. Affected: yes. Not counted in ClinVar's aggregate classification.

Literature cited by the submitters: PubMed 7611299 (cited by 3 submitters); PubMed 14695540 (cited by 4 submitters); PubMed 16220557 (cited by 4 submitters); PubMed 19802897 (cited by Ambry Genetics); PubMed 31061752 (cited by Ambry Genetics); PubMed 32679894 (cited by Ambry Genetics); PubMed 33495528 (cited by Ambry Genetics); PubMed 10464652 (cited by Labcorp Genetics (formerly Invitae), Labcorp); PubMed 11175294 (cited by 4 submitters); PubMed 11700157 (cited by Labcorp Genetics (formerly Invitae), Labcorp and Eurofins Ntd Llc (ga)); PubMed 11780406 (cited by Labcorp Genetics (formerly Invitae), Labcorp and Dasa); PubMed 19002209 (cited by 3 submitters); PubMed 21784848 (cited by 3 submitters).

NM_000138.5(FBN1):c.3037G>A (p.Gly1013Arg)

Gene: FBN1 (fibrillin 1; minus strand). Cytogenetic location: 15q21.1.
Variant type: single nucleotide variant.
Coding change: c.3037G>A on transcript NM_000138.5 (MANE Select); coding-DNA position 3037, G replaced by A.
Protein change: p.Gly1013Arg; replaces glycine 1013 with arginine.
Molecular consequence: missense variant.
Genome position (GRCh38, 1-based): chr15:48,489,896, C>T on the plus strand (G>A on the coding strand, the complement: FBN1 is on the minus strand). VCF-style: chr15-48489896-C-T. GRCh37 (hg19) VCF-style: chr15-48782093-C-T.
Other names: p.G1013R:GGA>AGA; short protein forms G1013R.
Identifiers: ClinVar variation 177648 (VCV000177648.45), dbSNP rs140593, ClinGen allele CA013681.